The following is an entry in ClinVar:

ClinVar aggregate classification (germline): Benign (1 of 4 stars; one submission).

Conditions:
Leigh syndrome (NULS). Also called: Leigh's necrotizing encephalopathy; Leigh's disease; Leigh Syndrome (mtDNA deletion); Leigh Disease; Subacute necrotizing encephalopathy; Necrotizing encephalopathy infantile subacute of Leigh. Identifiers: Orphanet 506, MedGen C2931891, MONDO:0009723, OMIM 256000.

Submission:

Wong Mito Lab, Molecular and Human Genetics, Baylor College of Medicine
Classification: Benign for Leigh syndrome. Last evaluated: 2019-10-17. Review status: criteria provided, single submitter. Criteria: Modified ACMG Guidelines (Unpublished). Collection method: clinical testing. Allele origin: germline.
Comment: The NC_012920.1:m.12403C>T (YP_003024036.1:p.Leu23Phe) variant in MTND5 gene is interpretated to be a Benign variant based on the modified ACMG guidelines (unpublished). This variant meets the following evidence codes: BS1, BS2, BP4

Literature cited by the submitters: PubMed 17264866.

NC_012920.1(MT-ND5):m.12403C>T

Gene: MT-ND5 (mitochondrially encoded NADH dehydrogenase 5; plus strand).
Variant type: single nucleotide variant.
Genome position: chrM-12403-C-T.
Identifiers: ClinVar variation 693435 (VCV000693435.1), dbSNP rs879096684, ClinGen allele CA337099475.